The following is an entry in ClinVar:

NM_005585.5(SMAD6):c.812G>C (p.Gly271Ala)

Gene: SMAD6 (SMAD family member 6; plus strand). Cytogenetic location: 15q22.31.
Variant type: single nucleotide variant.
Coding change: c.812G>C on transcript NM_005585.5 (MANE Select); coding-DNA position 812, G replaced by C.
Protein change: p.Gly271Ala; replaces glycine 271 with alanine.
Molecular consequence: missense variant. On other transcripts: non-coding transcript variant (1).
Genome position (GRCh38, 1-based): chr15:66,704,070, G>C. VCF-style: chr15-66704070-G-C. GRCh37 (hg19) VCF-style: chr15-66996408-G-C.
Other names: short protein forms G271A.
Identifiers: ClinVar variation 2904853 (VCV002904853.3), dbSNP rs1893053098, ClinGen allele CA392950299.

ClinVar aggregate classification (germline): Uncertain significance (1 of 4 stars; one submission).

Conditions:
Aortic valve disease 2 (AOVD2). Identifiers: MedGen C3542024, MONDO:0013902, OMIM 614823.

Allele frequency attached by ClinVar (database versions not stated): TOPMed below 0.00001.
gnomAD v4.1: 1 of 1,485,422 alleles (0.000067%); no homozygotes.

Submission:

Labcorp Genetics (formerly Invitae), Labcorp
Classification: Uncertain significance for Aortic valve disease 2. Last evaluated: 2023-10-13. Review status: criteria provided, single submitter. Criteria: Invitae Variant Classification Sherloc (09022015). Collection method: clinical testing. Allele origin: germline.
Comment: This sequence change replaces glycine, which is neutral and non-polar, with alanine, which is neutral and non-polar, at codon 271 of the SMAD6 protein (p.Gly271Ala). This variant is not present in population databases (gnomAD no frequency). This variant has not been reported in the literature in individuals affected with SMAD6-related conditions. Advanced modeling of protein sequence and biophysical properties (such as structural, functional, and spatial information, amino acid conservation, physicochemical variation, residue mobility, and thermodynamic stability) performed at Invitae indicates that this missense variant is not expected to disrupt SMAD6 protein function. In summary, the available evidence is currently insufficient to determine the role of this variant in disease. Therefore, it has been classified as a Variant of Uncertain Significance.